The following is an entry in ClinVar:

ClinVar aggregate classification (germline): Benign. Review status: criteria provided, multiple submitters, no conflicts (2 of 4 stars). 2 submissions from 2 submitters: Benign (2). Last evaluated 2018-06-14.

Allele frequency attached by ClinVar (database versions not stated): gnomAD exomes 0.83470; gnomAD 0.85662 and 0.85796; TOPMed 0.86009; 1000 Genomes Project 30x 0.88492; 1000 Genomes Project 0.88578.
gnomAD v4.1: 1,039,401 of 1,240,160 alleles (84%); highest among the groups gnomAD compares: African/African-American, 94%; 437,019 homozygotes.

Submissions (2):

GeneDx
Classification: Benign. Last evaluated: 2018-06-14. Review status: criteria provided, single submitter. Criteria: GeneDx Variant Classification (06012015). Collection method: clinical testing. Allele origin: germline. Affected: yes.
Comment: This variant is considered likely benign or benign based on one or more of the following criteria: it is a conservative change, it occurs at a poorly conserved position in the protein, it is predicted to be benign by multiple in silico algorithms, and/or has population frequency not consistent with disease.

Breakthrough Genomics
Classification: Benign. Review status: criteria provided, single submitter. Criteria: ACMG Guidelines, 2015. Collection method: not provided. Allele origin: germline. Inheritance: Autosomal dominant inheritance. Affected: yes.

NM_000093.5(COL5A1):c.4645-111T>G

Genes: COL5A1 (collagen type V alpha 1 chain; plus strand), LOC101448202 (uncharacterized LOC101448202; minus strand). Cytogenetic location: 9q34.3.
Variant type: single nucleotide variant.
Coding change: c.4645-111T>G on transcript NM_000093.5 (MANE Select); 111 bases into the intron before coding-DNA position 4645, T replaced by G.
Molecular consequence: intron variant.
Genome position (GRCh38, 1-based): chr9:134,823,305, T>G. VCF-style: chr9-134823305-T-G. GRCh37 (hg19) VCF-style: chr9-137715151-T-G.
Other names: c.4645-111T>G (NM_001278074.1).
Identifiers: ClinVar variation 670982 (VCV000670982.2), dbSNP rs3124936, ClinGen allele CA15595417.